The following is an entry in ClinVar:

ClinVar aggregate classification (germline): Uncertain significance. Review status: criteria provided, multiple submitters, no conflicts (2 of 4 stars). 2 submissions from 2 submitters: Uncertain significance (2). Last evaluated 2026-08-10.

Conditions:
HERC2-related disorder. Also called: HERC2-related condition.
Inborn genetic diseases. Identifiers: MedGen C0950123, MeSH D030342.

gnomAD v4.1: 2 of 1,599,132 alleles (0.00013%); highest among the groups gnomAD compares: Admixed American, 0.0033%; no homozygotes.

Submissions (2):

PreventionGenetics, part of Exact Sciences
Classification: Uncertain significance for HERC2-related condition. Last evaluated: 2026-08-10. Review status: criteria provided, single submitter. Criteria: ACMG Guidelines, 2015. Collection method: clinical testing. Allele origin: germline.
Comment: The HERC2 c.4582C>G variant is predicted to result in the amino acid substitution p.Leu1528Val. To our knowledge, this variant has not been reported in the literature. This variant is reported in 0.0029% of alleles in individuals of Latino descent in gnomAD. At this time, the clinical significance of this variant is uncertain due to the absence of conclusive functional and genetic evidence.

Ambry Genetics
Classification: Uncertain significance for Inborn genetic diseases. Last evaluated: 2025-03-25. Review status: criteria provided, single submitter. Criteria: Ambry Variant Classification Scheme 2023. Collection method: clinical testing. Allele origin: germline.

NM_004667.6(HERC2):c.4582C>G (p.Leu1528Val)

Gene: HERC2 (HECT and RLD domain containing E3 ubiquitin protein ligase 2; minus strand). Cytogenetic location: 15q13.1.
Variant type: single nucleotide variant.
Coding change: c.4582C>G on transcript NM_004667.6 (MANE Select); coding-DNA position 4582, C replaced by G.
Protein change: p.Leu1528Val; replaces leucine 1528 with valine.
Molecular consequence: missense variant.
Genome position (GRCh38, 1-based): chr15:28,233,239, G>C on the plus strand (C>G on the coding strand, the complement: HERC2 is on the minus strand). VCF-style: chr15-28233239-G-C. GRCh37 (hg19) VCF-style: chr15-28478385-G-C.
Other names: c.4582C>G (NM_004667.5); short protein forms L1528V.
Identifiers: ClinVar variation 4034749 (VCV004034749.2).